The following is an entry in ClinVar:

NM_001163435.3(TBCK):c.721-11_721-10del

Gene: TBCK (TBC1 domain containing kinase; minus strand). Cytogenetic location: 4q24.
Variant type: Deletion.
Coding change: c.721-11_721-10del on transcript NM_001163435.3 (MANE Select); 11 bases into the intron before coding-DNA position 721 through 10 bases into the intron before coding-DNA position 721, 2 bases deleted (TT; older notation c.721-11_721-10delTT).
Molecular consequence: intron variant.
Genome position (GRCh38, 1-based): chr4:106,248,316-106,248,317, AA deleted on the plus strand (TT on the coding strand, the reverse complement: TBCK is on the minus strand); deleting any 2 consecutive bases within chr4:106,248,316-106,248,318 gives the same sequence; the c. name uses the placement nearest the transcript's 3' end. VCF-style (leftmost placement, unchanged base first): chr4-106248315-TAA-T. GRCh37 (hg19) VCF-style: chr4-107169472-TAA-T.
Other names: c.721-11_721-10del (NM_001163436.4); c.532-11_532-10del (NM_033115.5); c.604-11_604-10del (NM_001163437.3); c.205-11_205-10del (NM_001290768.2).
Identifiers: ClinVar variation 1982119 (VCV001982119.4), dbSNP rs748883143, ClinGen allele CA3035317.

ClinVar aggregate classification (germline): Uncertain significance (1 of 4 stars; one submission).

Submission:

Labcorp Genetics (formerly Invitae), Labcorp
Classification: Uncertain significance. Last evaluated: 2022-03-06. Review status: criteria provided, single submitter. Criteria: Invitae Variant Classification Sherloc (09022015). Collection method: clinical testing. Allele origin: germline.
Comment: In summary, the available evidence is currently insufficient to determine the role of this variant in disease. Therefore, it has been classified as a Variant of Uncertain Significance. Algorithms developed to predict the effect of sequence changes on RNA splicing suggest that this variant may disrupt the consensus splice site. This variant has not been reported in the literature in individuals affected with TBCK-related conditions. This variant is present in population databases (rs748883143, gnomAD 0.002%). This sequence change falls in intron 8 of the TBCK gene. It does not directly change the encoded amino acid sequence of the TBCK protein.